The following is an entry in ClinVar:

ClinVar aggregate classification (germline): Uncertain significance (1 of 4 stars; one submission).

Conditions:
Jeune thoracic dystrophy. Also called: Short-rib thoracic dysplasia; Jeune syndrome; Infantile thoracic dystrophy; Thoracic pelvic phalangeal dystrophy; Jeune's syndrome; Chondroectodermal dysplasia-like syndrome. Identifiers: Orphanet 474, MedGen C0265275, MONDO:0018770.

gnomAD v4.1: 55 of 1,613,406 alleles (0.0034%); highest among the groups gnomAD compares: Non-Finnish European, 0.0046%; no homozygotes.

Submission:

Labcorp Genetics (formerly Invitae), Labcorp
Classification: Uncertain significance for Jeune thoracic dystrophy. Last evaluated: 2022-05-03. Review status: criteria provided, single submitter. Criteria: Invitae Variant Classification Sherloc (09022015). Collection method: clinical testing. Allele origin: germline.
Comment: This sequence change replaces glycine, which is neutral and non-polar, with arginine, which is basic and polar, at codon 569 of the DYNC2H1 protein (p.Gly569Arg). This variant is present in population databases (no rsID available, gnomAD 0.0009%). This variant has not been reported in the literature in individuals affected with DYNC2H1-related conditions. Algorithms developed to predict the effect of missense changes on protein structure and function are either unavailable or do not agree on the potential impact of this missense change (SIFT: "Tolerated"; PolyPhen-2: "Possibly Damaging"; Align-GVGD: "Class C0"). In summary, the available evidence is currently insufficient to determine the role of this variant in disease. Therefore, it has been classified as a Variant of Uncertain Significance.

NM_001377.3(DYNC2H1):c.1705G>C (p.Gly569Arg)

Gene: DYNC2H1 (dynein cytoplasmic 2 heavy chain 1; plus strand). Cytogenetic location: 11q22.3.
Variant type: single nucleotide variant.
Coding change: c.1705G>C on transcript NM_001377.3 (MANE Select); coding-DNA position 1705, G replaced by C.
Protein change: p.Gly569Arg; replaces glycine 569 with arginine.
Molecular consequence: missense variant.
Genome position (GRCh38, 1-based): chr11:103,125,143, G>C. VCF-style: chr11-103125143-G-C. GRCh37 (hg19) VCF-style: chr11-102995872-G-C.
Other names: c.1705G>C, p.Gly569Arg (NM_001080463.2); short protein forms G569R.
Identifiers: ClinVar variation 2078639 (VCV002078639.1), dbSNP rs886347904, ClinGen allele CA227402479.